The following is an entry in ClinVar:

NM_000320.3(QDPR):c.118G>A (p.Val40Ile)

Gene: QDPR (quinoid dihydropteridine reductase; minus strand). Cytogenetic location: 4p15.32.
Variant type: single nucleotide variant.
Coding change: c.118G>A on transcript NM_000320.3 (MANE Select); coding-DNA position 118, G replaced by A.
Protein change: p.Val40Ile; replaces valine 40 with isoleucine.
Molecular consequence: missense variant. On other transcripts: non-coding transcript variant (1), intron variant (1).
Genome position (GRCh38, 1-based): chr4:17,509,351, C>T on the plus strand (G>A on the coding strand, the complement: QDPR is on the minus strand). VCF-style: chr4-17509351-C-T. GRCh37 (hg19) VCF-style: chr4-17510974-C-T.
Other names: c.105+2599G>A (NM_001306140.2); short protein forms V40I.
Identifiers: ClinVar variation 1030732 (VCV001030732.5), dbSNP rs769586091, ClinGen allele CA92606060.

ClinVar aggregate classification (germline): Uncertain significance. Review status: criteria provided, multiple submitters, no conflicts (2 of 4 stars). 2 submissions from 2 submitters: Uncertain significance (2). Last evaluated 2024-07-08.

Conditions:
Dihydropteridine reductase deficiency (HPABH4C). Also called: DHPR DEFICIENCY; BH4-Deficient Hyperphenylalaninemia C; HYPERPHENYLALANINEMIA, TETRAHYDROBIOPTERIN-DEFICIENT, DUE TO DHPR DEFICIENCY; QDPR DEFICIENCY; QUINOID DIHYDROPTERIDINE REDUCTASE DEFICIENCY; Phenylketonuria II. Identifiers: Orphanet 226, Orphanet 238583, MedGen C0268465, MONDO:0009862, OMIM 261630.

Allele frequency attached by ClinVar (database versions not stated): gnomAD 0.00003.

Submissions (2):

Labcorp Genetics (formerly Invitae), Labcorp
Classification: Uncertain significance for Dihydropteridine reductase deficiency. Last evaluated: 2024-07-08. Review status: criteria provided, single submitter. Criteria: Invitae Variant Classification Sherloc (09022015). Collection method: clinical testing. Allele origin: germline.
Comment: This sequence change replaces valine, which is neutral and non-polar, with isoleucine, which is neutral and non-polar, at codon 40 of the QDPR protein (p.Val40Ile). This variant is present in population databases (rs769586091, gnomAD 0.006%). This variant has not been reported in the literature in individuals affected with QDPR-related conditions. ClinVar contains an entry for this variant (Variation ID: 1030732). Algorithms developed to predict the effect of missense changes on protein structure and function output the following: SIFT: "Not Available"; PolyPhen-2: "Benign"; Align-GVGD: "Not Available". The isoleucine amino acid residue is found in multiple mammalian species, which suggests that this missense change does not adversely affect protein function. In summary, the available evidence is currently insufficient to determine the role of this variant in disease. Therefore, it has been classified as a Variant of Uncertain Significance.

Baylor Genetics
Classification: Uncertain significance for Dihydropteridine reductase deficiency. Last evaluated: 2020-02-21. Review status: criteria provided, single submitter. Criteria: ACMG Guidelines, 2015. Collection method: clinical testing. Allele origin: unknown. Affected: yes.
Comment: This variant was determined to be of uncertain significance according to ACMG Guidelines, 2015 [PMID:25741868].